The following is an entry in ClinVar:

ClinVar aggregate classification (germline): Uncertain significance (1 of 4 stars; one submission).

gnomAD v4.1: 1 of 1,614,206 alleles (0.000062%); highest among the groups gnomAD compares: South Asian, 0.0011%; no homozygotes.

Submission:

GeneDx
Classification: Uncertain significance. Last evaluated: 2024-02-14. Review status: criteria provided, single submitter. Criteria: GeneDx Variant Classification Process June 2021. Collection method: clinical testing. Allele origin: germline. Affected: yes.
Comment: Not observed at significant frequency in large population cohorts (gnomAD); In silico analysis supports that this missense variant does not alter protein structure/function; Has not been previously published as pathogenic or benign to our knowledge

NM_005909.5(MAP1B):c.3677C>G (p.Ala1226Gly)

Gene: MAP1B (microtubule associated protein 1B; plus strand). Cytogenetic location: 5q13.2.
Variant type: single nucleotide variant.
Coding change: c.3677C>G on transcript NM_005909.5 (MANE Select); coding-DNA position 3677, C replaced by G.
Protein change: p.Ala1226Gly; replaces alanine 1226 with glycine.
Molecular consequence: missense variant.
Genome position (GRCh38, 1-based): chr5:72,197,032, C>G. VCF-style: chr5-72197032-C-G. GRCh37 (hg19) VCF-style: chr5-71492859-C-G.
Other names: c.3299C>G, p.Ala1100Gly (NM_001324255.2); short protein forms A1100G, A1226G.
Identifiers: ClinVar variation 3369316 (VCV003369316.1).